The following is an entry in ClinVar:

ClinVar aggregate classification (germline): Pathogenic. Review status: criteria provided, multiple submitters, no conflicts (2 of 4 stars). 2 submissions from 2 submitters: Pathogenic (2). Last evaluated 2025-08-15.

Conditions:
Hereditary cancer-predisposing syndrome. Also called: Tumor predisposition; Hereditary Cancer Syndrome; Hereditary neoplastic syndrome; Neoplastic Syndromes, Hereditary. Identifiers: Orphanet 140162, MedGen C0027672, MeSH D009386, MONDO:0015356.
Cardiovascular phenotype. Identifiers: MedGen CN230736.

Submissions (2):

Ambry Genetics
Classification: Pathogenic for Cardiovascular phenotype; Hereditary cancer-predisposing syndrome. Last evaluated: 2025-08-15. Review status: criteria provided, single submitter. Criteria: Ambry Variant Classification Scheme 2023. Collection method: clinical testing. Allele origin: germline.
Comment: The p.W215* pathogenic mutation (also known as c.644G>A), located in coding exon 7 of the LZTR1 gene, results from a G to A substitution at nucleotide position 644. This changes the amino acid from a tryptophan to a stop codon within coding exon 7. This variant was reported in individual(s) with features consistent with LZTR1-related schwannomatosis (Ambry internal data). This variant is considered to be rare based on population cohorts in the Genome Aggregation Database (gnomAD). This alteration is expected to result in loss of function by premature protein truncation or nonsense-mediated mRNA decay. Loss-of-function variants in LZTR1 are related to an increased risk for schwannomas and autosomal recessive Noonan syndrome; however, such associations with autosomal dominant Noonan syndrome have not been observed (Piotrowski A et al. Nat Genet. 2014 Feb;46:182-7; Yamamoto GL et al. J Med Genet. 2015 Jun;52:413-21; Johnston JJ et al. Genet Med. 2018 10;20:1175-1185). Based on the supporting evidence, this variant is pathogenic for an increased risk of LZTR1-related schwannomatosis (SWN) and would be expected to cause autosomal recessive Noonan syndrome when present along with a second pathogenic or likely pathogenic variant on the other allele; however, the association of this alteration with autosomal dominant Noonan syndrome is unlikely.

Labcorp Genetics (formerly Invitae), Labcorp
Classification: Pathogenic. Last evaluated: 2021-12-30. Review status: criteria provided, single submitter. Criteria: Invitae Variant Classification Sherloc (09022015). Collection method: clinical testing. Allele origin: germline.
Comment: This sequence change creates a premature translational stop signal (p.Trp215*) in the LZTR1 gene. It is expected to result in an absent or disrupted protein product. Loss-of-function variants in LZTR1 are known to be pathogenic (PMID: 24362817, 25335493, 25480913, 25795793, 29469822, 30442762, 30442766, 30481304, 30859559). For these reasons, this variant has been classified as Pathogenic. This variant has not been reported in the literature in individuals affected with LZTR1-related conditions. This variant is not present in population databases (gnomAD no frequency).

Literature cited by the submitters: PubMed 24362817 (cited by Labcorp Genetics (formerly Invitae), Labcorp); PubMed 25335493 (cited by Labcorp Genetics (formerly Invitae), Labcorp); PubMed 25480913 (cited by Labcorp Genetics (formerly Invitae), Labcorp); PubMed 25795793 (cited by Labcorp Genetics (formerly Invitae), Labcorp); PubMed 29469822 (cited by Labcorp Genetics (formerly Invitae), Labcorp); PubMed 30442762 (cited by Labcorp Genetics (formerly Invitae), Labcorp); PubMed 30442766 (cited by Labcorp Genetics (formerly Invitae), Labcorp); PubMed 30481304 (cited by Labcorp Genetics (formerly Invitae), Labcorp); PubMed 30859559 (cited by Labcorp Genetics (formerly Invitae), Labcorp).

NM_006767.4(LZTR1):c.644G>A (p.Trp215Ter)

Gene: LZTR1 (leucine zipper like post translational regulator 1; plus strand). Cytogenetic location: 22q11.21.
Variant type: single nucleotide variant.
Coding change: c.644G>A on transcript NM_006767.4 (MANE Select); coding-DNA position 644, G replaced by A.
Protein change: p.Trp215Ter; replaces tryptophan 215 with a stop codon.
Molecular consequence: nonsense.
Genome position (GRCh38, 1-based): chr22:20,989,675, G>A. VCF-style: chr22-20989675-G-A. GRCh37 (hg19) VCF-style: chr22-21343964-G-A.
Other names: c.644G>A (NM_006767.3); short protein forms W215*.
Identifiers: ClinVar variation 1441289 (VCV001441289.7), dbSNP rs1924525661, ClinGen allele CA410780379.
Genomic context (GRCh38, chr22:20,989,675, plus strand): 5'-CCTAATACAGGTTGAATGACATGTGGACAATTGGCCTCCAGGACCGAGAGCTCACCTGCT[G>A]GGAGGAGGTGAGGGGCGTGGGGAGCCAGGGCGCAGGTAGAGGAGGTGAGGGGCACGGGGA-3'